The following is an entry in ClinVar:

NM_006767.4(LZTR1):c.1150-1G>A

Gene: LZTR1 (leucine zipper like post translational regulator 1; plus strand). Cytogenetic location: 22q11.21.
Variant type: single nucleotide variant.
Coding change: c.1150-1G>A on transcript NM_006767.4 (MANE Select); the canonical splice acceptor site of the intron before coding-DNA position 1150, G replaced by A.
Molecular consequence: splice acceptor variant.
Genome position (GRCh38, 1-based): chr22:20,992,793, G>A. VCF-style: chr22-20992793-G-A. GRCh37 (hg19) VCF-style: chr22-21347082-G-A.
Identifiers: ClinVar variation 3382521 (VCV003382521.3).
Genomic context (GRCh38, chr22:20,992,793, plus strand): 5'-ACCAGCCGCACTGTGGAGGCTCTGCTCCCCCACCATTCCACCCTGCCTTCTTGTCCCCCA[G>A]CTGCCCAGTGGGAGGCTCTTCCACGCGGCTGCTGTCATCTCGGACGCCATGTACATCTTC-3'

ClinVar aggregate classification (germline): Conflicting classifications of pathogenicity. Review status: criteria provided, conflicting classifications (1 of 4 stars). 2 submissions from 2 submitters: Likely pathogenic (1); Uncertain significance (1). Last evaluated 2024-05-28.

Conditions:
Noonan syndrome 2 (NS2). Identifiers: Orphanet 648, MedGen C1854469, MONDO:0011531, OMIM 605275.

Submissions (2):

Blueprint Genetics
Classification: Uncertain significance. Last evaluated: 2024-05-28. Review status: criteria provided, single submitter. Criteria: ACMG Guidelines, 2015. Collection method: clinical testing. Allele origin: germline.

Juno Genomics, Hangzhou Juno Genomics, Inc
Classification: Likely pathogenic for Noonan syndrome 2. Review status: criteria provided, single submitter. Criteria: ACMG Guidelines, 2015. Collection method: clinical testing. Allele origin: germline. Affected: yes.
Comment: Null variant in a gene where loss of function (LOF) is a known mechanism of disease.;Absent from controls (or at extremely low frequency if recessive) in Genome Aggregation Database, Exome Sequencing Project, 1000 Genomes Project, or Exome Aggregation Consortium.;For recessive disorders, detected in trans with a pathogenic variant.;Patient's phenotype or family history is highly specific for a disease with a single genetic etiology.